The following is an entry in ClinVar:

ClinVar aggregate classification (germline): Pathogenic (1 of 4 stars; one submission).

Submission:

Labcorp Genetics (formerly Invitae), Labcorp
Classification: Pathogenic. Last evaluated: 2022-05-12. Review status: criteria provided, single submitter. Criteria: Invitae Variant Classification Sherloc (09022015). Collection method: clinical testing. Allele origin: germline.
Comment: Algorithms developed to predict the effect of sequence changes on RNA splicing suggest that this variant may create or strengthen a splice site. This variant has not been reported in the literature in individuals affected with POLE-related conditions. This variant is not present in population databases (gnomAD no frequency). This sequence change creates a premature translational stop signal (p.Tyr1018*) in the POLE gene. It is expected to result in an absent or disrupted protein product. Loss-of-function variants in POLE are known to be pathogenic (PMID: 23230001, 25948378, 30503519). For these reasons, this variant has been classified as Pathogenic.

Literature cited by the submitters: PubMed 23230001; PubMed 25948378; PubMed 30503519.

NM_006231.4(POLE):c.3054C>G (p.Tyr1018Ter)

Gene: POLE (DNA polymerase epsilon, catalytic subunit; minus strand). Cytogenetic location: 12q24.33.
Variant type: single nucleotide variant.
Coding change: c.3054C>G on transcript NM_006231.4 (MANE Select); coding-DNA position 3054, C replaced by G.
Protein change: p.Tyr1018Ter; replaces tyrosine 1018 with a stop codon.
Molecular consequence: nonsense.
Genome position (GRCh38, 1-based): chr12:132,660,975, G>C on the plus strand (C>G on the coding strand, the complement: POLE is on the minus strand). VCF-style: chr12-132660975-G-C. GRCh37 (hg19) VCF-style: chr12-133237561-G-C.
Other names: short protein forms Y1018*.
Identifiers: ClinVar variation 1463428 (VCV001463428.8), dbSNP rs201249963, ClinGen allele CA387392158.